The following is an entry in ClinVar:

ClinVar aggregate classification (germline): Uncertain significance (1 of 4 stars; one submission).

Submission:

Ambry Genetics
Classification: Uncertain significance. Last evaluated: 2025-07-28. Review status: criteria provided, single submitter. Criteria: Ambry Variant Classification Scheme 2023. Collection method: clinical testing. Allele origin: germline.
Comment: The p.A24P variant (also known as c.70G>C), located in coding exon 1 of the WNK2 gene, results from a G to C substitution at nucleotide position 70. The alanine at codon 24 is replaced by proline, an amino acid with highly similar properties. This amino acid position is conserved. In addition, this alteration is predicted to be tolerated by in silico analysis. Based on the available evidence, the clinical significance of this variant remains unclear.

NM_006648.4(WNK2):c.70G>C (p.Ala24Pro)

Gene: WNK2 (WNK lysine deficient protein kinase 2; plus strand). Cytogenetic location: 9q22.31.
Variant type: single nucleotide variant.
Coding change: c.70G>C on transcript NM_006648.4 (MANE Select); coding-DNA position 70, G replaced by C.
Protein change: p.Ala24Pro; replaces alanine 24 with proline.
Molecular consequence: missense variant.
Genome position (GRCh38, 1-based): chr9:93,184,999, G>C. VCF-style: chr9-93184999-G-C. GRCh37 (hg19) VCF-style: chr9-95947281-G-C.
Other names: c.70G>C, p.Ala24Pro (NM_001282394.3); short protein forms A24P.
Identifiers: ClinVar variation 4201664 (VCV004201664.1).